The following is an entry in ClinVar:

ClinVar aggregate classification (germline): Benign (1 of 4 stars; one submission).

Submission:

CeGaT Center for Human Genetics Tuebingen
Classification: Benign. Last evaluated: 2025-02-01. Review status: criteria provided, single submitter. Criteria: CeGaT Center For Human Genetics Tuebingen Variant Classification Criteria Version 2. Collection method: clinical testing. Allele origin: germline. Affected: yes. Observed: 1 variant allele.
Comment: AHNAK2: BP4, BP7, BS1, BS2

NM_138420.4(AHNAK2):c.4386T>C (p.Asp1462=)

Gene: AHNAK2 (AHNAK nucleoprotein 2; minus strand). Cytogenetic location: 14q32.33.
Variant type: single nucleotide variant.
Coding change: c.4386T>C on transcript NM_138420.4 (MANE Select); coding-DNA position 4386, T replaced by C.
Protein change: p.Asp1462=; no amino-acid change (aspartic acid 1462 retained).
Molecular consequence: synonymous variant.
Genome position (GRCh38, 1-based): chr14:104,951,065, A>G on the plus strand (T>C on the coding strand, the complement: AHNAK2 is on the minus strand). VCF-style: chr14-104951065-A-G. GRCh37 (hg19) VCF-style: chr14-105417402-A-G.
Other names: c.4086T>C, p.Asp1362= (NM_001350929.2).
Identifiers: ClinVar variation 3770778 (VCV003770778.13).